The following is an entry in ClinVar:

NM_001376.5(DYNC1H1):c.3607C>T (p.Gln1203Ter)

Gene: DYNC1H1 (dynein cytoplasmic 1 heavy chain 1; plus strand). Cytogenetic location: 14q32.31.
Variant type: single nucleotide variant.
Coding change: c.3607C>T on transcript NM_001376.5 (MANE Select); coding-DNA position 3607, C replaced by T.
Protein change: p.Gln1203Ter; replaces glutamine 1203 with a stop codon.
Molecular consequence: nonsense.
Genome position (GRCh38, 1-based): chr14:101,997,077, C>T. VCF-style: chr14-101997077-C-T. GRCh37 (hg19) VCF-style: chr14-102463414-C-T.
Other names: short protein forms Q1203*.
Identifiers: ClinVar variation 3633060 (VCV003633060.2).

ClinVar aggregate classification (germline): Uncertain significance (1 of 4 stars; one submission).

Conditions:
Charcot-Marie-Tooth disease axonal type 2O. Also called: CHARCOT-MARIE-TOOTH NEUROPATHY, AXONAL, TYPE 2O; CHARCOT-MARIE-TOOTH DISEASE, AXONAL, AUTOSOMAL DOMINANT, TYPE 2O; Charcot-Marie-Tooth Neuropathy Type 2O; Charcot-Marie-Tooth disease, axonal, type 20. Identifiers: Orphanet 284232, MedGen C3280220, MONDO:0013644, OMIM 614228.

Submission:

Labcorp Genetics (formerly Invitae), Labcorp
Classification: Uncertain significance for Charcot-Marie-Tooth disease axonal type 2O. Last evaluated: 2024-02-02. Review status: criteria provided, single submitter. Criteria: Invitae Variant Classification Sherloc (09022015). Collection method: clinical testing. Allele origin: germline.
Comment: This sequence change creates a premature translational stop signal (p.Gln1203*) in the DYNC1H1 gene. It is expected to result in an absent or disrupted protein product. However, the current clinical and genetic evidence is not sufficient to establish whether loss-of-function variants in DYNC1H1 cause disease. This variant is not present in population databases (gnomAD no frequency). This variant has not been reported in the literature in individuals affected with DYNC1H1-related conditions. In summary, the available evidence is currently insufficient to determine the role of this variant in disease. Therefore, it has been classified as a Variant of Uncertain Significance.